The following is an entry in ClinVar:

NM_002693.3(POLG):c.3644-16T>C

Genes: FANCI (FA complementation group I; plus strand), POLG (DNA polymerase gamma, catalytic subunit; minus strand). Cytogenetic location: 15q26.1.
Variant type: single nucleotide variant.
Coding change: c.3644-16T>C on transcript NM_002693.3 (MANE Select); 16 bases into the intron before coding-DNA position 3644, T replaced by C.
Molecular consequence: intron variant. On other transcripts: 3 prime UTR variant (4).
Genome position (GRCh38, 1-based): chr15:89,316,843, A>G on the plus strand (T>C on the coding strand, the complement: POLG is on the minus strand). VCF-style: chr15-89316843-A-G. GRCh37 (hg19) VCF-style: chr15-89860074-A-G.
Other names: c.*384A>G (NM_001113378.2, NM_001376910.1, NM_001376911.1 and 1 more transcripts); c.3644-16T>C (NM_001126131.2).
Identifiers: ClinVar variation 317312 (VCV000317312.17), dbSNP rs536522307, ClinGen allele CA7724048.

ClinVar aggregate classification (germline): Conflicting classifications of pathogenicity. Review status: criteria provided, conflicting classifications (1 of 4 stars). 5 submissions from 5 submitters: Uncertain significance (1); Likely benign (4). Last evaluated 2025-08-09.

Conditions:
Progressive sclerosing poliodystrophy (MTDPS4A). Also called: NEURONAL DEGENERATION OF CHILDHOOD WITH LIVER DISEASE, PROGRESSIVE; Mitochondrial DNA depletion syndrome 4A (Alpers type); ALPERS PROGRESSIVE INFANTILE POLIODYSTROPHY; Alpers-Huttenlocher Syndrome (AHS); ALPERS DIFFUSE DEGENERATION OF CEREBRAL GRAY MATTER WITH HEPATIC CIRRHOSIS; Alpers-Huttenlocher Syndrome. Identifiers: Orphanet 726, MedGen C0205710, MONDO:0008758, OMIM 203700.
Fanconi anemia complementation group I (FANCI). Also called: FANCI-Related Fanconi Anemia. Identifiers: Orphanet 84, MedGen C1836861, MONDO:0012186, OMIM 609053.

Allele frequency attached by ClinVar (database versions not stated): TOPMed 0.00009; gnomAD 0.00012 and 0.00013.
gnomAD v4.1: 137 of 1,598,362 alleles (0.0086%); highest among the groups gnomAD compares: Non-Finnish European, 0.011%; no homozygotes.

Submissions (5):

Labcorp Genetics (formerly Invitae), Labcorp
Classification: Likely benign for Progressive sclerosing poliodystrophy. Last evaluated: 2025-08-09. Review status: criteria provided, single submitter. Criteria: Invitae Variant Classification Sherloc (09022015). Collection method: clinical testing. Allele origin: germline.

Blueprint Genetics
Classification: Likely benign. Last evaluated: 2023-12-11. Review status: criteria provided, single submitter. Criteria: ACMG Guidelines, 2015. Collection method: clinical testing. Allele origin: germline.

Wong Mito Lab, Molecular and Human Genetics, Baylor College of Medicine
Classification: Likely benign for Progressive sclerosing poliodystrophy. Last evaluated: 2018-10-01. Review status: criteria provided, single submitter. Criteria: ACMG Guidelines, 2015. Collection method: clinical testing. Allele origin: germline.
Comment: The NM_002693.2:c.3644-16T>C (NP_002684.1:p.=) [GRCH38: NC_000015.10:g.89316843A>G] variant in FANCI gene is interpretated to be a Likely Benign based on ACMG guidelines (PMID: 25741868). This variant meets the following evidence codes reported in the ACMG-guideline. BP4:Computational evidence/predictors indicate no impact on the FANCI structure, function, or protein-protein interaction. BP6:Reputable source(s) without shared data suggest the variant is benign. Based on the evidence criteria codes applied, the variant is suggested to be Likely Benign.

GeneDx
Classification: Likely benign. Last evaluated: 2018-05-07. Review status: criteria provided, single submitter. Criteria: GeneDx Variant Classification Process June 2021. Collection method: clinical testing. Allele origin: germline. Affected: yes.

Illumina Laboratory Services, Illumina
Classification: Uncertain significance for Fanconi anemia complementation group I. Last evaluated: 2018-01-13. Review status: criteria provided, single submitter. Criteria: ICSL Variant Classification Criteria 13 December 2019. Collection method: clinical testing. Allele origin: germline.